The following is an entry in ClinVar:

NM_152564.5(VPS13B):c.3025C>T (p.Gln1009Ter)

Gene: VPS13B (vacuolar protein sorting 13 homolog B; plus strand). Cytogenetic location: 8q22.2.
Variant type: single nucleotide variant.
Coding change: c.3025C>T on transcript NM_152564.5 (MANE Select); coding-DNA position 3025, C replaced by T.
Protein change: p.Gln1009Ter; replaces glutamine 1009 with a stop codon.
Molecular consequence: nonsense.
Genome position (GRCh38, 1-based): chr8:99,391,647, C>T. VCF-style: chr8-99391647-C-T. GRCh37 (hg19) VCF-style: chr8-100403875-C-T.
Other names: c.3025C>T, p.Gln1009Ter (NM_017890.5); c.3025C>T (NM_017890.4); short protein forms Q1009*.
Identifiers: ClinVar variation 1073817 (VCV001073817.8), dbSNP rs2133312718, ClinGen allele CA371865757.

ClinVar aggregate classification (germline): Pathogenic/Likely pathogenic. Review status: criteria provided, multiple submitters, no conflicts (2 of 4 stars). 2 submissions from 2 submitters: Pathogenic (1); Likely pathogenic (1). Last evaluated 2024-12-03.

Conditions:
Cohen syndrome (COH1). Also called: PEPPER SYNDROME; Cutis verticis gyrata, retinitis pigmentosa, and sensorineural deafness. Identifiers: Orphanet 193, MedGen C0265223, MONDO:0008999, OMIM 216550.

Allele frequency attached by ClinVar (database versions not stated): gnomAD exomes below 0.00001.
gnomAD v4.1: 1 of 1,614,166 alleles (0.000062%); highest among the groups gnomAD compares: Non-Finnish European, 0.000085%; no homozygotes.

Submissions (2):

Natera, Inc.
Classification: Likely pathogenic for Cohen syndrome. Last evaluated: 2024-12-03. Review status: criteria provided, single submitter. Criteria: Natera Variant Classification Schema (03/2026). Collection method: clinical testing. Allele origin: germline.
Comment: The c.3025C>T variant in VPS13B is a nonsense variant predicted to introduce a stop codon at amino acid 1009. This variant is expected to result in nonsense mediated decay, truncation, or a dysfunctional protein product. This variant is rare in the general population with a frequency below the threshold expected for the associated phenotype(s). Given the available evidence, this variant is classified as Likely Pathogenic.

Labcorp Genetics (formerly Invitae), Labcorp
Classification: Pathogenic for Cohen syndrome. Last evaluated: 2021-11-17. Review status: criteria provided, single submitter. Criteria: Invitae Variant Classification Sherloc (09022015). Collection method: clinical testing. Allele origin: germline.
Comment: ClinVar contains an entry for this variant (Variation ID: 1073817). For these reasons, this variant has been classified as Pathogenic. This variant has not been reported in the literature in individuals affected with VPS13B-related conditions. This variant is not present in population databases (gnomAD no frequency). This sequence change creates a premature translational stop signal (p.Gln1009*) in the VPS13B gene. It is expected to result in an absent or disrupted protein product. Loss-of-function variants in VPS13B are known to be pathogenic (PMID: 15141358, 16648375, 20461111).

Literature cited by the submitters: PubMed 15141358 (cited by Labcorp Genetics (formerly Invitae), Labcorp); PubMed 16648375 (cited by Labcorp Genetics (formerly Invitae), Labcorp); PubMed 20461111 (cited by Labcorp Genetics (formerly Invitae), Labcorp).